The following is an entry in ClinVar:

NM_022148.4(CRLF2):c.269A>G (p.Gln90Arg)

Gene: CRLF2 (cytokine receptor like factor 2; minus strand). Cytogenetic location: Xp22.33.
Variant type: single nucleotide variant.
Coding change: c.269A>G on transcript NM_022148.4 (MANE Select); coding-DNA position 269, A replaced by G.
Protein change: p.Gln90Arg; replaces glutamine 90 with arginine.
Molecular consequence: missense variant. On other transcripts: 5 prime UTR variant (1), non-coding transcript variant (1).
Genome position (GRCh38, 1-based): chrX:1,206,513, T>C on the plus strand (A>G on the coding strand, the complement: CRLF2 is on the minus strand). VCF-style: chrX-1206513-T-C. GRCh37 (hg19) VCF-style: chrX-1325406-T-C.
Other names: c.-68A>G (NM_001012288.3); short protein forms Q90R.
Identifiers: ClinVar variation 133946 (VCV000133946.1), dbSNP rs587778218, ClinGen allele CA158211.

ClinVar aggregate classification (germline): not provided (0 of 4 stars; one submission).

Allele frequency attached by ClinVar (database versions not stated): TOPMed below 0.00001; gnomAD 0.00001; ExAC 0.00002; gnomAD exomes 0.00002.

Submission:

ITMI
No classification provided. Condition: AllHighlyPenetrant. Last evaluated: 2013-09-19. Review status: no classification provided. Collection method: reference population. Allele origin: germline.
Comment: Please see associated publication for description of ethnicities

Literature cited by the submitters: PubMed 24728327.